The following is an entry in ClinVar:

NM_001134407.3(GRIN2A):c.3276C>G (p.Ser1092=)

Gene: GRIN2A (glutamate ionotropic receptor NMDA type subunit 2A; minus strand). Cytogenetic location: 16p13.2.
Variant type: single nucleotide variant.
Coding change: c.3276C>G on transcript NM_001134407.3 (MANE Select); coding-DNA position 3276, C replaced by G.
Protein change: p.Ser1092=; no amino-acid change (serine 1092 retained).
Molecular consequence: synonymous variant.
Genome position (GRCh38, 1-based): chr16:9,764,268, G>C on the plus strand (C>G on the coding strand, the complement: GRIN2A is on the minus strand). VCF-style: chr16-9764268-G-C. GRCh37 (hg19) VCF-style: chr16-9858125-G-C.
Other names: c.3276C>G, p.Ser1092= (NM_000833.5, NM_001134408.2).
Identifiers: ClinVar variation 391450 (VCV000391450.49), dbSNP rs775325646, ClinGen allele CA7896342.

ClinVar aggregate classification (germline): Likely benign. Review status: criteria provided, multiple submitters, no conflicts (2 of 4 stars). 4 submissions from 4 submitters: Likely benign (4). Last evaluated 2025-11-10.

Conditions:
Landau-Kleffner syndrome (FESD). Also called: EPILEPSY, FOCAL, WITH SPEECH DISORDER AND WITH OR WITHOUT MENTAL RETARDATION; APHASIA, ACQUIRED, WITH EPILEPSY. Identifiers: Orphanet 1945, Orphanet 725, Orphanet 98818, MedGen C0282512, MONDO:0009509, OMIM 245570.

Allele frequency attached by ClinVar (database versions not stated): TOPMed 0.00012; gnomAD exomes 0.00008; ExAC 0.00010; gnomAD 0.00007.
gnomAD v4.1: 131 of 1,613,864 alleles (0.0081%); highest among the groups gnomAD compares: Non-Finnish European, 0.0079%; no homozygotes.

Submissions (4):

Labcorp Genetics (formerly Invitae), Labcorp
Classification: Likely benign for Landau-Kleffner syndrome. Last evaluated: 2025-11-10. Review status: criteria provided, single submitter. Criteria: Invitae Variant Classification Sherloc (09022015). Collection method: clinical testing. Allele origin: germline.

CeGaT Center for Human Genetics Tuebingen
Classification: Likely benign. Last evaluated: 2025-02-01. Review status: criteria provided, single submitter. Criteria: CeGaT Center For Human Genetics Tuebingen Variant Classification Criteria Version 2. Collection method: clinical testing. Allele origin: germline. Affected: yes. Observed: 6 variant alleles.
Comment: GRIN2A: BP4

Blueprint Genetics
Classification: Likely benign. Last evaluated: 2024-11-11. Review status: criteria provided, single submitter. Criteria: ACMG Guidelines, 2015. Collection method: clinical testing. Allele origin: germline.

GeneDx
Classification: Likely benign. Last evaluated: 2020-03-09. Review status: criteria provided, single submitter. Criteria: GeneDx Variant Classification Process June 2021. Collection method: clinical testing. Allele origin: germline. Affected: yes.